The following is an entry in ClinVar:

NM_005585.5(SMAD6):c.301G>A (p.Gly101Arg)

Gene: SMAD6 (SMAD family member 6; plus strand). Cytogenetic location: 15q22.31.
Variant type: single nucleotide variant.
Coding change: c.301G>A on transcript NM_005585.5 (MANE Select); coding-DNA position 301, G replaced by A.
Protein change: p.Gly101Arg; replaces glycine 101 with arginine.
Molecular consequence: missense variant. On other transcripts: non-coding transcript variant (1).
Genome position (GRCh38, 1-based): chr15:66,703,559, G>A. VCF-style: chr15-66703559-G-A. GRCh37 (hg19) VCF-style: chr15-66995897-G-A.
Other names: short protein forms G101R.
Identifiers: ClinVar variation 582152 (VCV000582152.7), dbSNP rs1433694123, ClinGen allele CA392949221.
Genomic context (GRCh38, chr15:66,703,559, plus strand): 5'-GGGAGGCGCCGGCGCGCAGGGGGCCCCCCGAGGCCCATGTCGGAGCCAGGGGCCGGCGCT[G>A]GGAGCTCCCTGCTGGACGTGGCGGAGCCGGGAGGCCCGGGCTGGCTGCCCGAGAGTGACT-3'
Protein context (NP_005576.3, residues 91-111): RPMSEPGAGA[Gly101Arg]SSLLDVAEPG

ClinVar aggregate classification (germline): Uncertain significance (1 of 4 stars; one submission).

Conditions:
Aortic valve disease 2 (AOVD2). Identifiers: MedGen C3542024, MONDO:0013902, OMIM 614823.

Submission:

Labcorp Genetics (formerly Invitae), Labcorp
Classification: Uncertain significance for Aortic valve disease 2. Last evaluated: 2021-11-11. Review status: criteria provided, single submitter. Criteria: Invitae Variant Classification Sherloc (09022015). Collection method: clinical testing. Allele origin: germline.
Comment: In summary, the available evidence is currently insufficient to determine the role of this variant in disease. Therefore, it has been classified as a Variant of Uncertain Significance. Algorithms developed to predict the effect of missense changes on protein structure and function are either unavailable or do not agree on the potential impact of this missense change (SIFT: "Deleterious"; PolyPhen-2: "Probably Damaging"; Align-GVGD: "Class C0"). ClinVar contains an entry for this variant (Variation ID: 582152). This variant has not been reported in the literature in individuals affected with SMAD6-related conditions. This variant is not present in population databases (gnomAD no frequency). This sequence change replaces glycine, which is neutral and non-polar, with arginine, which is basic and polar, at codon 101 of the SMAD6 protein (p.Gly101Arg).